The following is an entry in ClinVar:

ClinVar aggregate classification (germline): Uncertain significance. Review status: criteria provided, multiple submitters, no conflicts (2 of 4 stars). 2 submissions from 2 submitters: Uncertain significance (2). Last evaluated 2026-01-29.

Submissions (2):

GeneDx
Classification: Uncertain significance. Last evaluated: 2026-01-29. Review status: criteria provided, single submitter. Criteria: GeneDx Variant Classification Process June 2021. Collection method: clinical testing. Allele origin: germline.
Comment: Not observed at significant frequency in large population cohorts (gnomAD); In silico analysis supports that this missense variant has a deleterious effect on protein structure/function; Has not been previously published as pathogenic or benign to our knowledge

Labcorp Genetics (formerly Invitae), Labcorp
Classification: Uncertain significance. Last evaluated: 2025-05-11. Review status: criteria provided, single submitter. Criteria: Invitae Variant Classification Sherloc (09022015). Collection method: clinical testing. Allele origin: germline.
Comment: This sequence change replaces tryptophan, which is neutral and slightly polar, with arginine, which is basic and polar, at codon 2176 of the CHD8 protein (p.Trp2176Arg). This variant is not present in population databases (gnomAD no frequency). This variant has not been reported in the literature in individuals affected with CHD8-related conditions. Invitae Evidence Modeling of protein sequence and biophysical properties (such as structural, functional, and spatial information, amino acid conservation, physicochemical variation, residue mobility, and thermodynamic stability) has been performed for this missense variant. However, the output from this modeling did not meet the statistical confidence thresholds required to predict the impact of this variant on CHD8 protein function. In summary, the available evidence is currently insufficient to determine the role of this variant in disease. Therefore, it has been classified as a Variant of Uncertain Significance.

NM_001170629.2(CHD8):c.6526T>C (p.Trp2176Arg)

Gene: CHD8 (chromodomain helicase DNA binding protein 8; minus strand). Cytogenetic location: 14q11.2.
Variant type: single nucleotide variant.
Coding change: c.6526T>C on transcript NM_001170629.2 (MANE Select); coding-DNA position 6526, T replaced by C.
Protein change: p.Trp2176Arg; replaces tryptophan 2176 with arginine.
Molecular consequence: missense variant.
Genome position (GRCh38, 1-based): chr14:21,392,752, A>G on the plus strand (T>C on the coding strand, the complement: CHD8 is on the minus strand). VCF-style: chr14-21392752-A-G. GRCh37 (hg19) VCF-style: chr14-21860911-A-G.
Other names: c.5689T>C, p.Trp1897Arg (NM_020920.4); c.6526T>C (NM_001170629.1); short protein forms W1897R, W2176R.
Identifiers: ClinVar variation 4746978 (VCV004746978.2).